The following is an entry in ClinVar:

ClinVar aggregate classification (germline): Conflicting classifications of pathogenicity. Review status: criteria provided, conflicting classifications (1 of 4 stars). 2 submissions from 2 submitters: Uncertain significance (1); Likely benign (1). Last evaluated 2025-04-30.

Conditions:
Intellectual developmental disorder, autosomal dominant 1. Also called: Intellectual disability, autosomal dominant 1; MBD5 Haploinsufficiency. Identifiers: Orphanet 228402, MedGen C1969562, MONDO:0007974, OMIM 156200.
MBD5-related disorder. Also called: MBD5-related condition.

gnomAD v4.1: 2 of 1,613,974 alleles (0.00012%); highest among the groups gnomAD compares: Non-Finnish European, 0.00017%; no homozygotes.

Submissions (2):

PreventionGenetics, part of Exact Sciences
Classification: Uncertain significance for MBD5-related condition. Last evaluated: 2025-04-30. Review status: criteria provided, single submitter. Criteria: ACMG Guidelines, 2015. Collection method: clinical testing. Allele origin: germline.
Comment: The MBD5 c.2384T>C variant is predicted to result in the amino acid substitution p.Met795Thr. To our knowledge, this variant has not been reported in the literature or in a large population database (gnomAD), indicating this variant is rare. At this time, the clinical significance of this variant is uncertain due to the absence of conclusive functional and genetic evidence.

Labcorp Genetics (formerly Invitae), Labcorp
Classification: Likely benign for Intellectual developmental disorder, autosomal dominant 1. Last evaluated: 2022-03-19. Review status: criteria provided, single submitter. Criteria: Invitae Variant Classification Sherloc (09022015). Collection method: clinical testing. Allele origin: germline.

NM_001378120.1(MBD5):c.2384T>C (p.Met795Thr)

Gene: MBD5 (methyl-CpG binding domain protein 5; plus strand). Cytogenetic location: 2q23.1.
Variant type: single nucleotide variant.
Coding change: c.2384T>C on transcript NM_001378120.1 (MANE Select); coding-DNA position 2384, T replaced by C.
Protein change: p.Met795Thr; replaces methionine 795 with threonine.
Molecular consequence: missense variant.
Genome position (GRCh38, 1-based): chr2:148,470,327, T>C. VCF-style: chr2-148470327-T-C. GRCh37 (hg19) VCF-style: chr2-149227896-T-C.
Other names: c.2384T>C, p.Met795Thr (NM_018328.5); short protein forms M795T.
Identifiers: ClinVar variation 833637 (VCV000833637.12), dbSNP rs1446479503, ClinGen allele CA348721750.